The following is an entry in ClinVar:

ClinVar aggregate classification (germline): Uncertain significance (1 of 4 stars; one submission).

Conditions:
Immunodeficiency 51 (IMD51). Also called: CANDIDIASIS, FAMILIAL, 5. Identifiers: Orphanet 1334, MedGen C4310803, MONDO:0013500, OMIM 613953.

Submission:

Labcorp Genetics (formerly Invitae), Labcorp
Classification: Uncertain significance for Immunodeficiency 51. Last evaluated: 2022-06-20. Review status: criteria provided, single submitter. Criteria: Invitae Variant Classification Sherloc (09022015). Collection method: clinical testing. Allele origin: germline.
Comment: In summary, the available evidence is currently insufficient to determine the role of this variant in disease. Therefore, it has been classified as a Variant of Uncertain Significance. Algorithms developed to predict the effect of missense changes on protein structure and function output the following: SIFT: "Tolerated"; PolyPhen-2: "Not Available"; Align-GVGD: "Class C0". The arginine amino acid residue is found in multiple mammalian species, which suggests that this missense change does not adversely affect protein function. This variant has not been reported in the literature in individuals affected with IL17RA-related conditions. This variant is not present in population databases (gnomAD no frequency). This sequence change replaces proline, which is neutral and non-polar, with arginine, which is basic and polar, at codon 14 of the IL17RA protein (p.Pro14Arg).

NM_014339.7(IL17RA):c.41C>G (p.Pro14Arg)

Genes: IL17RA (interleukin 17 receptor A; plus strand), LOC130066894 (ATAC-STARR-seq lymphoblastoid silent region 13430; plus strand). Cytogenetic location: 22q11.1.
Variant type: single nucleotide variant.
Coding change: c.41C>G on transcript NM_014339.7 (MANE Select); coding-DNA position 41, C replaced by G.
Protein change: p.Pro14Arg; replaces proline 14 with arginine.
Molecular consequence: missense variant.
Genome position (GRCh38, 1-based): chr22:17,085,132, C>G. VCF-style: chr22-17085132-C-G. GRCh37 (hg19) VCF-style: chr22-17566022-C-G.
Other names: c.41C>G, p.Pro14Arg (NM_001289905.2); short protein forms P14R.
Identifiers: ClinVar variation 2067261 (VCV002067261.4), dbSNP rs1601332814, ClinGen allele CA410210135.